The following is an entry in ClinVar:

NM_004972.4(JAK2):c.1004G>A (p.Gly335Asp)

Genes: JAK2 (Janus kinase 2; plus strand), INSL6 (insulin like 6; minus strand). Cytogenetic location: 9p24.1.
Variant type: single nucleotide variant.
Coding change: c.1004G>A on transcript NM_004972.4 (MANE Select); coding-DNA position 1004, G replaced by A.
Protein change: p.Gly335Asp; replaces glycine 335 with aspartic acid.
Molecular consequence: missense variant. On other transcripts: 5 prime UTR variant (2), non-coding transcript variant (2).
Genome position (GRCh38, 1-based): chr9:5,055,736, G>A. VCF-style: chr9-5055736-G-A. GRCh37 (hg19) VCF-style: chr9-5055736-G-A.
Other names: c.1004G>A, p.Gly335Asp (NM_001322194.2, NM_001322195.2, NM_001322196.2); c.-212G>A (NM_001322198.2, NM_001322199.2); c.557G>A, p.Gly186Asp (NM_001322204.2); short protein forms G186D, G335D.
Identifiers: ClinVar variation 2910225 (VCV002910225.3), dbSNP rs748854741, ClinGen allele CA4971710.
Genomic context (GRCh38, chr9:5,055,736, plus strand): 5'-AGTTATATTGCGATTTTCCTAATATTATTGATGTCAGTATTAAGCAAGCAAACCAAGAGG[G>A]TTCAAATGAAAGCCGAGTTGTAACTATCCATAAGCAAGATGGTAAAAATCTGGTAAGTTT-3'
Protein context (NP_004963.1, residues 325-345): DVSIKQANQE[Gly335Asp]SNESRVVTIH

ClinVar aggregate classification (germline): Uncertain significance (1 of 4 stars; one submission).

Allele frequency attached by ClinVar (database versions not stated): gnomAD 0.00001.
gnomAD v4.1: 16 of 1,609,866 alleles (0.00099%); highest among the groups gnomAD compares: African/African-American, 0.0013%; no homozygotes.

Submission:

Labcorp Genetics (formerly Invitae), Labcorp
Classification: Uncertain significance. Last evaluated: 2023-11-07. Review status: criteria provided, single submitter. Criteria: Invitae Variant Classification Sherloc (09022015). Collection method: clinical testing. Allele origin: germline.
Comment: This sequence change replaces glycine, which is neutral and non-polar, with aspartic acid, which is acidic and polar, at codon 335 of the JAK2 protein (p.Gly335Asp). The frequency data for this variant in the population databases is considered unreliable, as metrics indicate poor data quality at this position in the gnomAD database. This missense change has been observed in individual(s) with clinical features of essential thrombocythemia (PMID: 26423830). An algorithm developed to predict the effect of missense changes on protein structure and function (PolyPhen-2) suggests that this variant is likely to be tolerated. Experimental studies have shown that this missense change does not substantially affect JAK2 function (PMID: 26423830). In summary, the available evidence is currently insufficient to determine the role of this variant in disease. Therefore, it has been classified as a Variant of Uncertain Significance.

Literature cited by the submitters: PubMed 26423830.